The following is an entry in ClinVar:

NM_018474.6(KIZ):c.13C>T (p.Leu5Phe)

Genes: KIZ (kizuna centrosomal protein; plus strand), LOC130065507 (ATAC-STARR-seq lymphoblastoid silent region 12713; plus strand). Cytogenetic location: 20p11.23.
Variant type: single nucleotide variant.
Coding change: c.13C>T on transcript NM_018474.6 (MANE Select); coding-DNA position 13, C replaced by T.
Protein change: p.Leu5Phe; replaces leucine 5 with phenylalanine.
Molecular consequence: missense variant. On other transcripts: 5 prime UTR variant (4).
Genome position (GRCh38, 1-based): chr20:21,126,128, C>T. VCF-style: chr20-21126128-C-T. GRCh37 (hg19) VCF-style: chr20-21106769-C-T.
Other names: c.-134C>T (NM_001163022.3, NM_001163023.3, NM_001352435.2); c.92C>T, p.Pro31Leu (NM_001276389.2); c.13C>T, p.Leu5Phe (NM_001352434.2); c.-374C>T (NM_001352436.2); c.13C>T (NM_018474.4); short protein forms P31L, L5F.
Identifiers: ClinVar variation 1359249 (VCV001359249.6), dbSNP rs1351290157, ClinGen allele CA408488092.
Genomic context (GRCh38, chr20:21,126,128, plus strand): 5'-CCGAACGGCCACCCAGAGGCTGTGCTGAGCTGGCGCAGCGGCAGCAGCATGAGCCGGACC[C>T]TCGCATCGGCCGTGCCCCTGTCGAGTCCCGACTACTACGAGAGGCTGGGCCAACTCCAGC-3'
Protein context (NP_060944.3, residues 1-15): MSRT[Leu5Phe]ASAVPLSSPD

ClinVar aggregate classification (germline): Uncertain significance. Review status: criteria provided, multiple submitters, no conflicts (2 of 4 stars). 2 submissions from 2 submitters: Uncertain significance (2). Last evaluated 2024-12-02.

Allele frequency attached by ClinVar (database versions not stated): gnomAD exomes 0.00001; TOPMed 0.00001.

Submissions (2):

Labcorp Genetics (formerly Invitae), Labcorp
Classification: Uncertain significance. Last evaluated: 2024-12-02. Review status: criteria provided, single submitter. Criteria: Invitae Variant Classification Sherloc (09022015). Collection method: clinical testing. Allele origin: germline.
Comment: This sequence change replaces leucine, which is neutral and non-polar, with phenylalanine, which is neutral and non-polar, at codon 5 of the KIZ protein (p.Leu5Phe). This variant is not present in population databases (gnomAD no frequency). This variant has not been reported in the literature in individuals affected with KIZ-related conditions. ClinVar contains an entry for this variant (Variation ID: 1359249). Experimental studies and prediction algorithms are not available or were not evaluated, and the functional significance of this variant is currently unknown. In summary, the available evidence is currently insufficient to determine the role of this variant in disease. Therefore, it has been classified as a Variant of Uncertain Significance.

Ambry Genetics
Classification: Uncertain significance. Last evaluated: 2024-01-23. Review status: criteria provided, single submitter. Criteria: Ambry Variant Classification Scheme 2023. Collection method: clinical testing. Allele origin: germline.